The following is an entry in ClinVar:

NM_004415.4(DSP):c.727-213G>A

Gene: DSP (desmoplakin; plus strand). Cytogenetic location: 6p24.3.
Variant type: single nucleotide variant.
Coding change: c.727-213G>A on transcript NM_004415.4 (MANE Select); 213 bases into the intron before coding-DNA position 727, G replaced by A.
Molecular consequence: intron variant.
Genome position (GRCh38, 1-based): chr6:7,563,523, G>A. VCF-style: chr6-7563523-G-A. GRCh37 (hg19) VCF-style: chr6-7563756-G-A.
Other names: c.727-213G>A (NM_001319034.2, NM_001008844.3).
Identifiers: ClinVar variation 672203 (VCV000672203.1), dbSNP rs2744376, ClinGen allele CA12287835.

ClinVar aggregate classification (germline): Benign (1 of 4 stars; one submission).

Allele frequency attached by ClinVar (database versions not stated): 1000 Genomes Project 0.22704; 1000 Genomes Project 30x 0.23251; TOPMed 0.26527; gnomAD 0.26907 and 0.27479.
gnomAD v4.1: 40,804 of 151,944 alleles (27%); highest among the groups gnomAD compares: Middle Eastern, 34%; 5,870 homozygotes.

Submission:

GeneDx
Classification: Benign. Last evaluated: 2018-06-14. Review status: criteria provided, single submitter. Criteria: GeneDx Variant Classification (06012015). Collection method: clinical testing. Allele origin: germline. Affected: yes.
Comment: This variant is considered likely benign or benign based on one or more of the following criteria: it is a conservative change, it occurs at a poorly conserved position in the protein, it is predicted to be benign by multiple in silico algorithms, and/or has population frequency not consistent with disease.